The following is an entry in ClinVar:

ClinVar aggregate classification (germline): Uncertain significance (1 of 4 stars; one submission).

gnomAD v4.1: 54 of 1,613,912 alleles (0.0033%); highest among the groups gnomAD compares: African/African-American, 0.011%; no homozygotes.

Submission:

Labcorp Genetics (formerly Invitae), Labcorp
Classification: Uncertain significance. Last evaluated: 2025-12-09. Review status: criteria provided, single submitter. Criteria: Invitae Variant Classification Sherloc (09022015). Collection method: clinical testing. Allele origin: germline.
Comment: This sequence change replaces arginine, which is basic and polar, with tryptophan, which is neutral and slightly polar, at codon 160 of the SUCLG2 protein (p.Arg160Trp). This variant is present in population databases (rs776448754, gnomAD 0.007%). This variant has not been reported in the literature in individuals affected with SUCLG2-related conditions. ClinVar contains an entry for this variant (Variation ID: 3671163). An algorithm developed to predict the effect of missense changes on protein structure and function (PolyPhen-2) suggests that this variant is likely to be disruptive. In summary, the available evidence is currently insufficient to determine the role of this variant in disease. Therefore, it has been classified as a Variant of Uncertain Significance.

NM_003848.4(SUCLG2):c.478C>T (p.Arg160Trp)

Gene: SUCLG2 (succinate-CoA ligase GDP-forming subunit beta; minus strand). Cytogenetic location: 3p14.1.
Variant type: single nucleotide variant.
Coding change: c.478C>T on transcript NM_003848.4 (MANE Select); coding-DNA position 478, C replaced by T.
Protein change: p.Arg160Trp; replaces arginine 160 with tryptophan.
Molecular consequence: missense variant.
Genome position (GRCh38, 1-based): chr3:67,520,574, G>A on the plus strand (C>T on the coding strand, the complement: SUCLG2 is on the minus strand). VCF-style: chr3-67520574-G-A. GRCh37 (hg19) VCF-style: chr3-67570998-G-A.
Other names: c.478C>T, p.Arg160Trp (NM_001177599.2); short protein forms R160W.
Identifiers: ClinVar variation 3671163 (VCV003671163.2).